The following is an entry in ClinVar:

ClinVar aggregate classification (germline): Uncertain significance (1 of 4 stars; one submission).

Conditions:
Immunodeficiency 31B. Also called: STAT1 DEFICIENCY, AUTOSOMAL RECESSIVE; IMMUNODEFICIENCY 31B, MYCOBACTERIAL AND VIRAL INFECTIONS, AUTOSOMAL RECESSIVE. Identifiers: Orphanet 391311, MedGen C3151088, MONDO:0013427, OMIM 613796.
Autoimmune enteropathy and endocrinopathy - susceptibility to chronic infections syndrome. Also called: Immunodeficiency 31C; Immunodeficiency 31C, autosomal dominant. Identifiers: Orphanet 391487, MedGen C3279990, MONDO:0013599, OMIM 614162.
Mendelian susceptibility to mycobacterial diseases due to partial STAT1 deficiency. Also called: IMMUNODEFICIENCY 31A, MYCOBACTERIOSIS, AUTOSOMAL DOMINANT; STAT1 DEFICIENCY, AUTOSOMAL DOMINANT; Immunodeficiency 31a. Identifiers: Orphanet 319595, MedGen C4013950, MONDO:0013956, OMIM 614892.

Submission:

Labcorp Genetics (formerly Invitae), Labcorp
Classification: Uncertain significance for Mendelian susceptibility to mycobacterial diseases due to partial STAT1 deficiency; Immunodeficiency 31B; Autoimmune enteropathy and endocrinopathy - susceptibility to chronic infections syndrome. Last evaluated: 2021-07-21. Review status: criteria provided, single submitter. Criteria: Invitae Variant Classification Sherloc (09022015). Collection method: clinical testing. Allele origin: germline.
Comment: In summary, the available evidence is currently insufficient to determine the role of this variant in disease. Therefore, it has been classified as a Variant of Uncertain Significance. Algorithms developed to predict the effect of missense changes on protein structure and function are either unavailable or do not agree on the potential impact of this missense change (SIFT: "Deleterious"; PolyPhen-2: "Probably Damaging"; Align-GVGD: "Class C15"). This variant has not been reported in the literature in individuals with STAT1-related disease. This variant is not present in population databases (ExAC no frequency). This sequence change replaces cysteine with tryptophan at codon 543 of the STAT1 protein (p.Cys543Trp). The cysteine residue is highly conserved and there is a large physicochemical difference between cysteine and tryptophan.

NM_007315.4(STAT1):c.1629T>G (p.Cys543Trp)

Gene: STAT1 (signal transducer and activator of transcription 1; minus strand). Cytogenetic location: 2q32.2.
Variant type: single nucleotide variant.
Coding change: c.1629T>G on transcript NM_007315.4 (MANE Select); coding-DNA position 1629, T replaced by G.
Protein change: p.Cys543Trp; replaces cysteine 543 with tryptophan.
Molecular consequence: missense variant.
Genome position (GRCh38, 1-based): chr2:190,980,623, A>C on the plus strand (T>G on the coding strand, the complement: STAT1 is on the minus strand). VCF-style: chr2-190980623-A-C. GRCh37 (hg19) VCF-style: chr2-191845349-A-C.
Other names: c.1569T>G, p.Cys523Trp (NM_001384880.1); c.1635T>G, p.Cys545Trp (NM_001384881.1, NM_001384884.1); c.1623T>G, p.Cys541Trp (NM_001384882.1); c.1530T>G, p.Cys510Trp (NM_001384883.1); c.1470T>G, p.Cys490Trp (NM_001384885.1); c.1629T>G, p.Cys543Trp (NM_001384886.1, NM_001384889.1, NM_139266.3); c.1536T>G, p.Cys512Trp (NM_001384887.1); c.1599T>G, p.Cys533Trp (NM_001384888.1); and 2 more; short protein forms C543W, C490W, C510W, C512W, C513W, C523W, C533W, C541W.
Identifiers: ClinVar variation 652830 (VCV000652830.8), dbSNP rs1574642464, ClinGen allele CA349914678.